The following is an entry in ClinVar:

NM_000038.6(APC):c.7264A>T (p.Thr2422Ser)

Gene: APC (APC regulator of Wnt signaling pathway; plus strand). Cytogenetic location: 5q22.2.
Variant type: single nucleotide variant.
Coding change: c.7264A>T on transcript NM_000038.6 (MANE Select); coding-DNA position 7264, A replaced by T.
Protein change: p.Thr2422Ser; replaces threonine 2422 with serine.
Molecular consequence: missense variant.
Genome position (GRCh38, 1-based): chr5:112,842,858, A>T. VCF-style: chr5-112842858-A-T. GRCh37 (hg19) VCF-style: chr5-112178555-A-T.
Other names: c.7264A>T, p.Thr2422Ser (NM_001127510.3, NM_001354895.2); c.7210A>T, p.Thr2404Ser (NM_001127511.3); c.7318A>T, p.Thr2440Ser (NM_001354896.2); c.7294A>T, p.Thr2432Ser (NM_001354897.2); c.7189A>T, p.Thr2397Ser (NM_001354898.2); c.7180A>T, p.Thr2394Ser (NM_001354899.2); c.7141A>T, p.Thr2381Ser (NM_001354900.2); c.7087A>T, p.Thr2363Ser (NM_001354901.2); and 5 more; short protein forms T2422S, T2404S, T2139S, T2296S, T2394S, T2432S, T2262S, T2321S.
Identifiers: ClinVar variation 485104 (VCV000485104.33), dbSNP rs730881260, ClinGen allele CA047427.

ClinVar aggregate classification (germline): Uncertain significance. Review status: criteria provided, multiple submitters, no conflicts (2 of 4 stars). 10 submissions from 10 submitters: Uncertain significance (9). 1 of the submissions does not count toward it. Last evaluated 2025-12-03.

Conditions:
Familial adenomatous polyposis 1 (FAP1). Also called: FAMILIAL ADENOMATOUS POLYPOSIS 1, ATTENUATED; POLYPOSIS, ADENOMATOUS INTESTINAL. Identifiers: MedGen C2713442, MONDO:0021056, OMIM 175100. Disease mechanism: loss of function.
Hepatocellular carcinoma (HCC). Also called: Primary carcinoma of liver; HEPATOMA; LIVER CELL CARCINOMA. Identifiers: Orphanet 88673, MedGen C2239176, MONDO:0007256, OMIM 114550, HP:0001402.
Desmoid disease, hereditary (DESMD). Also called: FIBROMATOSIS, FAMILIAL INFILTRATIVE. Identifiers: Orphanet 873, MedGen C1851124, OMIM 135290. Disease mechanism: loss of function.
Gastric adenocarcinoma and proximal polyposis of the stomach (GAPPS). Also called: POLYPOSIS, GASTRIC; Gastric Adenocarcinoma and Proximal Polyposis of the Stomach (GAPPS); Polyposis, gastric, Dos Santos and de Magalhaes 1980. Identifiers: Orphanet 314022, MedGen C4749917, MONDO:0017790, OMIM 619182.
Gastric cancer. Also called: Stomach cancer; Malignant tumor of stomach. Identifiers: MedGen C0024623, MeSH D013274, MONDO:0001056, OMIM 613659, HP:0012126.
Colorectal cancer. Also called: Colorectal cancer, somatic; Malignant Colorectal Neoplasm. Identifiers: MedGen C0346629, MONDO:0005575, OMIM 114500.
Classic or attenuated familial adenomatous polyposis. Identifiers: MedGen CN372698, MONDO:0021057.
Hereditary cancer-predisposing syndrome. Also called: Tumor predisposition; Hereditary neoplastic syndrome; Hereditary Cancer Syndrome; Neoplastic Syndromes, Hereditary. Identifiers: Orphanet 140162, MedGen C0027672, MeSH D009386, MONDO:0015356.

gnomAD v4.1: 3 of 1,613,898 alleles (0.00019%); highest among the groups gnomAD compares: Non-Finnish European, 0.00025%; no homozygotes.

Submissions (10):

Ambry Genetics
Classification: Uncertain significance for Hereditary cancer-predisposing syndrome. Last evaluated: 2025-12-03. Review status: criteria provided, single submitter. Criteria: Ambry Variant Classification Scheme 2023. Collection method: clinical testing. Allele origin: germline.
Comment: The p.T2422S variant (also known as c.7264A>T), located in coding exon 15 of the APC gene, results from an A to T substitution at nucleotide position 7264. The threonine at codon 2422 is replaced by serine, an amino acid with similar properties. This amino acid position is well conserved in available vertebrate species. In addition, in silico predictors for this gene do not accurately predict pathogenicity. Missense variants in APC are not a common cause of disease (Spier I et al. Genet Med. 2024 Feb;26(2):100992). Based on the available evidence, the clinical significance of this variant remains unclear.

Dasa
Classification: Uncertain significance. Last evaluated: 2025-11-21. Review status: criteria provided, single submitter. Criteria: DASA Assertion Criteria. Collection method: clinical testing. Allele origin: germline.
Comment: NM_000038.6(APC):c.7264A>T (p.Thr2422Ser) is a missense variant that results in the substitution of threonine with serine. This variant is rare in population databases. The currently available literature and clinical evidence are not sufficient to establish a definitive association between this variant and the reported condition. Therefore, this variant is classified as a variant of uncertain significance.

Labcorp Genetics (formerly Invitae), Labcorp
Classification: Uncertain significance for Familial adenomatous polyposis 1. Last evaluated: 2025-09-02. Review status: criteria provided, single submitter. Criteria: Invitae Variant Classification Sherloc (09022015). Collection method: clinical testing. Allele origin: germline.
Comment: This sequence change replaces threonine, which is neutral and polar, with serine, which is neutral and polar, at codon 2422 of the APC protein (p.Thr2422Ser). This variant is present in population databases (rs730881260, gnomAD 0.002%). This variant has not been reported in the literature in individuals affected with APC-related conditions. ClinVar contains an entry for this variant (Variation ID: 485104). Invitae Evidence Modeling of protein sequence and biophysical properties (such as structural, functional, and spatial information, amino acid conservation, physicochemical variation, residue mobility, and thermodynamic stability) indicates that this missense variant is not expected to disrupt APC protein function with a negative predictive value of 95%. In summary, the available evidence is currently insufficient to determine the role of this variant in disease. Therefore, it has been classified as a Variant of Uncertain Significance.

Color Diagnostics, LLC DBA Color Health
Classification: Uncertain significance for Hereditary cancer-predisposing syndrome. Last evaluated: 2024-08-26. Review status: criteria provided, single submitter. Criteria: ACMG Guidelines, 2015. Collection method: clinical testing. Allele origin: germline.
Comment: This missense variant replaces threonine with serine at codon 2422 of the APC protein. Computational prediction suggests that this variant may not impact protein structure and function (internally defined REVEL score threshold <= 0.5, PMID: 27666373). To our knowledge, functional studies have not been reported for this variant. This variant has not been reported in individuals affected with APC-related disorders in the literature. This variant has been identified in 2/250322 chromosomes in the general population by the Genome Aggregation Database (gnomAD). The available evidence is insufficient to determine the role of this variant in disease conclusively. Therefore, this variant is classified as a Variant of Uncertain Significance.

Fulgent Genetics
Classification: Uncertain significance for Colorectal cancer; Hepatocellular carcinoma; Desmoid disease, hereditary; Familial adenomatous polyposis 1; Gastric cancer; Gastric adenocarcinoma and proximal polyposis of the stomach. Last evaluated: 2024-06-13. Review status: criteria provided, single submitter. Criteria: ACMG Guidelines, 2015. Collection method: clinical testing. Allele origin: germline.

All of Us Research Program, National Institutes of Health
Classification: Uncertain significance for Classic or attenuated familial adenomatous polyposis. Last evaluated: 2023-11-30. Review status: criteria provided, single submitter. Criteria: ACMG Guidelines, 2015. Collection method: clinical testing. Allele origin: germline. Inheritance: Autosomal dominant inheritance. Observed: 3 variant alleles, 3 heterozygotes.
Comment: This missense variant replaces threonine with serine at codon 2422 of the APC protein. Computational prediction suggests that this variant may not impact protein structure and function (internally defined REVEL score threshold <= 0.5, PMID: 27666373). To our knowledge, functional studies have not been reported for this variant. This variant has not been reported in individuals affected with APC-related disorders in the literature. This variant has been identified in 2/250322 chromosomes in the general population by the Genome Aggregation Database (gnomAD). The available evidence is insufficient to determine the role of this variant in disease conclusively. Therefore, this variant is classified as a Variant of Uncertain Significance.

This study involves interpretation of variants in research participants for the purpose of population health screening. Participant phenotype was not available at the time of variant classification. Additional details can be found in publication PMID: 35346344, PMCID: PMC8962531

Baylor Genetics
Classification: Uncertain significance for Familial adenomatous polyposis 1. Last evaluated: 2023-08-01. Review status: criteria provided, single submitter. Criteria: ACMG Guidelines, 2015. Collection method: clinical testing. Allele origin: unknown.

Department of Pathology and Laboratory Medicine, Sinai Health System
Classification: Uncertain significance for classic or attenuated familial adenomatous polyposis. Last evaluated: 2021-07-30. Review status: criteria provided, single submitter. Criteria: ACMG Guidelines, 2015. Collection method: research. Allele origin: germline.

GeneDx
Classification: Uncertain significance. Last evaluated: 2020-02-12. Review status: criteria provided, single submitter. Criteria: GeneDx Variant Classification Process June 2021. Collection method: clinical testing. Allele origin: germline. Affected: yes.
Comment: Has not been previously published as pathogenic or benign to our knowledge; Not observed at a significant frequency in large population cohorts (Lek 2016); In silico analysis supports that this missense variant does not alter protein structure/function

Mayo Clinic Laboratories, Mayo Clinic
Classification: Uncertain significance. Review status: no assertion criteria provided. Collection method: clinical testing. Allele origin: unknown. Not counted in ClinVar's aggregate classification.

Literature cited by the submitters: PubMed 28944238 (cited by Ambry Genetics).